The following is an entry in ClinVar:

NM_006363.6(SEC23B):c.66C>T (p.Asn22=)

Gene: SEC23B (SEC23 homolog B, COPII component; plus strand). Cytogenetic location: 20p11.23.
Variant type: single nucleotide variant.
Coding change: c.66C>T on transcript NM_006363.6 (MANE Select); coding-DNA position 66, C replaced by T.
Protein change: p.Asn22=; no amino-acid change (asparagine 22 retained).
Molecular consequence: synonymous variant.
Genome position (GRCh38, 1-based): chr20:18,510,901, C>T. VCF-style: chr20-18510901-C-T. GRCh37 (hg19) VCF-style: chr20-18491545-C-T.
Other names: c.66C>T, p.Asn22= (NM_001172745.3, NM_001172746.3, NM_032985.6 and 1 more transcripts).
Identifiers: ClinVar variation 532196 (VCV000532196.18), dbSNP rs144542988, ClinGen allele CA9777911.

ClinVar aggregate classification (germline): Benign/Likely benign. Review status: criteria provided, multiple submitters, no conflicts (2 of 4 stars). 4 submissions from 4 submitters: Benign (1); Likely benign (2). 1 of the submissions does not count toward it. Last evaluated 2025-12-06.

Conditions:
SEC23B-related disorder. Also called: SEC23B-related disorders; SEC23B-related condition.
Cowden syndrome 7 (CWS7). Identifiers: Orphanet 201, MedGen C4225179, MONDO:0014802, OMIM 616858.
Congenital dyserythropoietic anemia, type II (CDAN2). Also called: DYSERYTHROPOIETIC ANEMIA, HEMPAS TYPE. Identifiers: Orphanet 98873, MedGen C1306589, MONDO:0009134, OMIM 224100.

Allele frequency attached by ClinVar (database versions not stated): ESP Exome Variant Server 0.00108; 1000 Genomes Project 30x 0.00203; 1000 Genomes Project 0.00220; gnomAD exomes 0.00008 and 0.00021; ExAC 0.00023; TOPMed 0.00091; gnomAD 0.00095 and 0.00098.
gnomAD v4.1: 273 of 1,614,112 alleles (0.017%); highest among the groups gnomAD compares: African/African-American, 0.26%; no homozygotes.

Submissions (4):

Labcorp Genetics (formerly Invitae), Labcorp
Classification: Benign for Congenital dyserythropoietic anemia, type II; Cowden syndrome 7. Last evaluated: 2025-12-06. Review status: criteria provided, single submitter. Criteria: Invitae Variant Classification Sherloc (09022015). Collection method: clinical testing. Allele origin: germline.

CeGaT Center for Human Genetics Tuebingen
Classification: Likely benign. Last evaluated: 2025-12-01. Review status: criteria provided, single submitter. Criteria: CeGaT Center For Human Genetics Tuebingen Variant Classification Criteria Version 2. Collection method: clinical testing. Allele origin: germline. Affected: yes. Observed: 1 variant allele.
Comment: SEC23B: BP4, BP7

Blueprint Genetics
Classification: Likely benign. Last evaluated: 2023-07-12. Review status: criteria provided, single submitter. Criteria: ACMG Guidelines, 2015. Collection method: clinical testing. Allele origin: germline.

PreventionGenetics, part of Exact Sciences
Classification: Likely benign for SEC23B-related condition. Last evaluated: 2024-09-10. Review status: no assertion criteria provided. Collection method: clinical testing. Allele origin: germline. Not counted in ClinVar's aggregate classification.
Comment: This variant is classified as likely benign based on ACMG/AMP sequence variant interpretation guidelines (Richards et al. 2015 PMID: 25741868, with internal and published modifications).